The following is an entry in ClinVar:

NC_000005.9:g.(?_149262972)_(149276359_?)del

Gene: PDE6A (phosphodiesterase 6A; minus strand). Cytogenetic location: 5q32.
Variant type: Deletion.
Identifiers: ClinVar variation 2423091 (VCV002423091.4).

ClinVar aggregate classification (germline): Pathogenic (1 of 4 stars; one submission).

Submission:

Labcorp Genetics (formerly Invitae), Labcorp
Classification: Pathogenic. Last evaluated: 2022-03-29. Review status: criteria provided, single submitter. Criteria: Invitae Variant Classification Sherloc (09022015). Collection method: clinical testing. Allele origin: germline.
Comment: This variant is a gross deletion of the genomic region encompassing exon(s) 11-17 of the PDE6A gene. This deletion is out-of-frame, and is expected to create a premature termination codon and result in an absent or disrupted protein product. Loss-of-function variants in PDE6A are known to be pathogenic (PMID: 7493036, 22128245, 23847139). This variant has not been reported in the literature in individuals affected with PDE6A-related conditions. For these reasons, this variant has been classified as Pathogenic.

Literature cited by the submitters: PubMed 7493036; PubMed 22128245; PubMed 23847139.